The following is an entry in ClinVar:

NM_000059.4(BRCA2):c.600A>G (p.Thr200=)

Gene: BRCA2 (BRCA2 DNA repair associated; plus strand). Cytogenetic location: 13q13.1.
Variant type: single nucleotide variant.
Coding change: c.600A>G on transcript NM_000059.4 (MANE Select); coding-DNA position 600, A replaced by G.
Protein change: p.Thr200=; no amino-acid change (threonine 200 retained).
Molecular consequence: synonymous variant.
Genome position (GRCh38, 1-based): chr13:32,326,582, A>G. VCF-style: chr13-32326582-A-G. GRCh37 (hg19) VCF-style: chr13-32900719-A-G.
Identifiers: ClinVar variation 391652 (VCV000391652.11), dbSNP rs1057524177, ClinGen allele CA16607456.

ClinVar aggregate classification (germline): Likely benign. Review status: criteria provided, multiple submitters, no conflicts (2 of 4 stars). 3 submissions from 3 submitters: Likely benign (3). Last evaluated 2025-03-02.

Conditions:
Hereditary breast ovarian cancer syndrome. Also called: BRCA1- and BRCA2-Associated Hereditary Breast and Ovarian Cancer; Hereditary breast and ovarian cancer syndrome (HBOC); Hereditary breast and ovarian cancer; Breast and ovarian cancer; Hereditary breast and/or ovarian cancer syndrome; Hereditary breast and ovarian cancer syndrome. Identifiers: Orphanet 145, MedGen C0677776, MeSH D061325, MONDO:0003582. Disease mechanism: loss of function.
Hereditary cancer-predisposing syndrome. Also called: Neoplastic Syndromes, Hereditary; Hereditary Cancer Syndrome; Tumor predisposition; Hereditary neoplastic syndrome. Identifiers: Orphanet 140162, MedGen C0027672, MeSH D009386, MONDO:0015356.

Submissions (3):

Labcorp Genetics (formerly Invitae), Labcorp
Classification: Likely benign for Hereditary breast ovarian cancer syndrome. Last evaluated: 2025-03-02. Review status: criteria provided, single submitter. Criteria: Invitae Variant Classification Sherloc (09022015). Collection method: clinical testing. Allele origin: germline.

Sema4
Classification: Likely benign for Hereditary cancer-predisposing syndrome. Last evaluated: 2022-02-22. Review status: criteria provided, single submitter. Criteria: Sema4 Curation Guidelines. Collection method: curation. Allele origin: germline.

GeneDx
Classification: Likely benign. Last evaluated: 2016-12-07. Review status: criteria provided, single submitter. Criteria: GeneDx Variant Classification (06012015). Collection method: clinical testing. Allele origin: germline. Affected: yes.
Comment: This variant is considered likely benign or benign based on one or more of the following criteria: it is a conservative change, it occurs at a poorly conserved position in the protein, it is predicted to be benign by multiple in silico algorithms, and/or has population frequency not consistent with disease.